The following is an entry in ClinVar:

ClinVar aggregate classification (germline): Pathogenic/Likely pathogenic. Review status: criteria provided, multiple submitters, no conflicts (2 of 4 stars). 4 submissions from 4 submitters: Pathogenic (1); Likely pathogenic (1). 2 of the submissions do not count toward it. Last evaluated 2023-12-18.

Conditions:
Severe early-childhood-onset retinal dystrophy (STGD1). Also called: Stargardt macular dystrophy; Juvenile onset macular degeneration; Stargardt disease 1; MACULAR DYSTROPHY WITH FLECKS, TYPE 1; STGD. Identifiers: Orphanet 364055, Orphanet 827, MedGen C1855465, MeSH D000080362, MONDO:0009549, OMIM 248200.
ABCA4-related disorder. Also called: ABCA4-related condition; ABCA4-related disorders. Identifiers: MedGen CN239167.
Stargardt disease 3. Also called: MACULAR DYSTROPHY WITH FLECKS, TYPE 3; STARGARDT-LIKE MACULAR DYSTROPHY, AUTOSOMAL DOMINANT. Identifiers: Orphanet 827, MedGen C1838644, MONDO:0010819, OMIM 600110.

Submissions (4):

Labcorp Genetics (formerly Invitae), Labcorp
Classification: Pathogenic. Last evaluated: 2023-12-18. Review status: criteria provided, single submitter. Criteria: Invitae Variant Classification Sherloc (09022015). Collection method: clinical testing. Allele origin: germline.
Comment: This sequence change creates a premature translational stop signal (p.Leu163Hisfs*18) in the ABCA4 gene. It is expected to result in an absent or disrupted protein product. Loss-of-function variants in ABCA4 are known to be pathogenic (PMID: 10958761, 24938718, 25312043, 26780318). This variant is present in population databases (rs747950242, gnomAD 0.0009%). This variant has not been reported in the literature in individuals affected with ABCA4-related conditions. ClinVar contains an entry for this variant (Variation ID: 829880). For these reasons, this variant has been classified as Pathogenic.

Blueprint Genetics
Classification: Likely pathogenic for ABCA4-related disorders. Last evaluated: 2021-09-08. Review status: criteria provided, single submitter. Criteria: ACMG Guidelines, 2015. Collection method: clinical testing. Allele origin: germline. Affected: yes. Observed: 1 variant allele.

Bioscientia Institut fuer Medizinische Diagnostik GmbH, Sonic Healthcare
Classification: Pathogenic for Severe early-childhood-onset retinal dystrophy. Last evaluated: 2019-08-12. Review status: no assertion criteria provided. Collection method: clinical testing. Allele origin: germline. Affected: yes. Not counted in ClinVar's aggregate classification.

Ophthalmo-Genetics Lab, Instituto de Oftalmologia Conde de Valenciana
Classification: Pathogenic for Stargardt disease 3. Review status: no assertion criteria provided. Collection method: research. Allele origin: germline. Inheritance: Autosomal recessive inheritance. Not counted in ClinVar's aggregate classification.

Literature cited by the submitters: PubMed 10958761 (cited by Labcorp Genetics (formerly Invitae), Labcorp); PubMed 24938718 (cited by Labcorp Genetics (formerly Invitae), Labcorp); PubMed 25312043 (cited by Labcorp Genetics (formerly Invitae), Labcorp); PubMed 26780318 (cited by Labcorp Genetics (formerly Invitae), Labcorp and Ophthalmo-Genetics Lab, Instituto de Oftalmologia Conde de Valenciana).

NM_000350.3(ABCA4):c.488_491del (p.Leu163fs)

Gene: ABCA4 (ATP binding cassette subfamily A member 4; minus strand). Cytogenetic location: 1p22.1.
Variant type: Deletion.
Coding change: c.488_491del on transcript NM_000350.3 (MANE Select); coding-DNA positions 488 to 491, 4 bases deleted (TGAC; older notation c.488_491delTGAC).
Protein change: p.Leu163fs; shifts the reading frame from leucine 163.
Molecular consequence: frameshift variant.
Genome position (GRCh38, 1-based): chr1:94,103,094-94,103,097, GTCA deleted on the plus strand (TGAC on the coding strand, the reverse complement: ABCA4 is on the minus strand); deleting any 4 consecutive bases within chr1:94,103,094-94,103,099 gives the same sequence; the c. name uses the placement nearest the transcript's 3' end. VCF-style (leftmost placement, unchanged base first): chr1-94103093-TGTCA-T. GRCh37 (hg19) VCF-style: chr1-94568649-TGTCA-T.
Other names: c.486_489delACTG, p.Leu163Hisfs (NM_001425324.1); short protein forms L163fs.
Identifiers: ClinVar variation 829880 (VCV000829880.9), dbSNP rs747950242, ClinGen allele CA958821.